The following is an entry in ClinVar:

ClinVar aggregate classification (germline): Conflicting classifications of pathogenicity. Review status: criteria provided, conflicting classifications (1 of 4 stars). 6 submissions from 5 submitters: Uncertain significance (2); Likely benign (3). 1 of the submissions does not count toward it. Last evaluated 2024-05-23.

Conditions:
Autosomal dominant cerebellar ataxia. Also called: Spinocerebellar Ataxia, Dominant. Identifiers: Orphanet 99, MedGen C4087347, MONDO:0020380.
Charcot-Marie-Tooth disease axonal type 2O. Also called: CHARCOT-MARIE-TOOTH NEUROPATHY, AXONAL, TYPE 2O; CHARCOT-MARIE-TOOTH DISEASE, AXONAL, AUTOSOMAL DOMINANT, TYPE 2O; Charcot-Marie-Tooth Neuropathy Type 2O; Charcot-Marie-Tooth disease, axonal, type 20. Identifiers: Orphanet 284232, MedGen C3280220, MONDO:0013644, OMIM 614228.
DYNC1H1-related disorder. Also called: DYNC1H1-related condition; DYNC1H1-related disorders. Identifiers: MedGen CN381529.

Allele frequency attached by ClinVar (database versions not stated): TOPMed below 0.00001; gnomAD 0.00001; ExAC 0.00004; gnomAD exomes 0.00008.
gnomAD v4.1: 49 of 1,614,072 alleles (0.003%); highest among the groups gnomAD compares: South Asian, 0.049%; no homozygotes.

Submissions (6):

Labcorp Genetics (formerly Invitae), Labcorp
Classification: Likely benign for Charcot-Marie-Tooth disease axonal type 2O. Last evaluated: 2024-05-23. Review status: criteria provided, single submitter. Criteria: Invitae Variant Classification Sherloc (09022015). Collection method: clinical testing. Allele origin: germline.

Blueprint Genetics
Classification: Likely benign. Last evaluated: 2022-02-09. Review status: criteria provided, single submitter. Criteria: ACMG Guidelines, 2015. Collection method: clinical testing. Allele origin: germline.

GeneDx
Classification: Likely benign. Last evaluated: 2018-05-07. Review status: criteria provided, single submitter. Criteria: GeneDx Variant Classification (06012015). Collection method: clinical testing. Allele origin: germline. Affected: yes.
Comment: This variant is considered likely benign or benign based on one or more of the following criteria: it is a conservative change, it occurs at a poorly conserved position in the protein, it is predicted to be benign by multiple in silico algorithms, and/or has population frequency not consistent with disease.

Illumina Laboratory Services, Illumina
Classification: Uncertain significance for Charcot-Marie-Tooth disease axonal type 2O. Last evaluated: 2018-01-12. Review status: criteria provided, single submitter. Criteria: ICSL Variant Classification Criteria 13 December 2019. Collection method: clinical testing. Allele origin: germline.

Illumina Laboratory Services, Illumina
Classification: Uncertain significance for Spinocerebellar Ataxia, Dominant. Last evaluated: 2018-01-12. Review status: criteria provided, single submitter. Criteria: ICSL Variant Classification Criteria 13 December 2019. Collection method: clinical testing. Allele origin: germline.

PreventionGenetics, part of Exact Sciences
Classification: Likely benign for DYNC1H1-related condition. Last evaluated: 2019-02-22. Review status: no assertion criteria provided. Collection method: clinical testing. Allele origin: germline. Not counted in ClinVar's aggregate classification.
Comment: This variant is classified as likely benign based on ACMG/AMP sequence variant interpretation guidelines (Richards et al. 2015 PMID: 25741868, with internal and published modifications).

NM_001376.5(DYNC1H1):c.4959C>T (p.His1653=)

Gene: DYNC1H1 (dynein cytoplasmic 1 heavy chain 1; plus strand). Cytogenetic location: 14q32.31.
Variant type: single nucleotide variant.
Coding change: c.4959C>T on transcript NM_001376.5 (MANE Select); coding-DNA position 4959, C replaced by T.
Protein change: p.His1653=; no amino-acid change (histidine 1653 retained).
Molecular consequence: synonymous variant.
Genome position (GRCh38, 1-based): chr14:102,004,593, C>T. VCF-style: chr14-102004593-C-T. GRCh37 (hg19) VCF-style: chr14-102470930-C-T.
Identifiers: ClinVar variation 668173 (VCV000668173.17), dbSNP rs773425996, ClinGen allele CA7352331.